The following is an entry in ClinVar:

ClinVar aggregate classification (germline): Pathogenic/Likely pathogenic. Review status: criteria provided, multiple submitters, no conflicts (2 of 4 stars). 6 submissions from 6 submitters: Pathogenic (4); Likely pathogenic (2). Last evaluated 2024-07-17.

Conditions:
Adult polyglucosan body disease (APBN). Also called: GBE1-Adult Polyglucosan Body Disease; POLYGLUCOSAN BODY DISEASE, ADULT FORM. Identifiers: Orphanet 206583, MedGen C1849722, MONDO:0009897, OMIM 263570.
Glycogen storage disease IV, classic hepatic. Also called: GSD IV, CLASSIC HEPATIC. Identifiers: MedGen C1856301.
Glycogen storage disease, type IV (GSD4). Also called: Glycogen storage disease due to glycogen branching enzyme deficiency; AMYLOPECTINOSIS; ANDERSEN DISEASE; BRANCHER DEFICIENCY; CIRRHOSIS, FAMILIAL, WITH DEPOSITION OF ABNORMAL GLYCOGEN; GBE1 DEFICIENCY. Identifiers: Orphanet 367, MedGen C0017923, MONDO:0009292, OMIM 232500.
GBE1-related disorder. Also called: GBE1-related disorders; GBE1-related condition. Identifiers: MedGen CN239402.

Allele frequency attached by ClinVar (database versions not stated): ExAC 0.00001; TOPMed 0.00002; gnomAD 0.00001 and 0.00002; gnomAD exomes 0.00001.
gnomAD v4.1: 10 of 1,612,326 alleles (0.00062%); highest among the groups gnomAD compares: Non-Finnish European, 0.00085%; no homozygotes.

Submissions (6):

Labcorp Genetics (formerly Invitae), Labcorp
Classification: Pathogenic for Glycogen storage disease, type IV; Glycogen storage disease IV, classic hepatic. Last evaluated: 2024-07-17. Review status: criteria provided, single submitter. Criteria: Invitae Variant Classification Sherloc (09022015). Collection method: clinical testing. Allele origin: germline.
Comment: This sequence change creates a premature translational stop signal (p.Gly299*) in the GBE1 gene. It is expected to result in an absent or disrupted protein product. Loss-of-function variants in GBE1 are known to be pathogenic (PMID: 15452297, 20058079). This variant is present in population databases (rs779475367, gnomAD 0.002%). This premature translational stop signal has been observed in individual(s) with type IV glycogen storage disease (PMID: 16278887). ClinVar contains an entry for this variant (Variation ID: 1341394). For these reasons, this variant has been classified as Pathogenic.

Myriad Genetics, Inc.
Classification: Pathogenic for Glycogen storage disease, type IV. Last evaluated: 2024-05-14. Review status: criteria provided, single submitter. Criteria: Myriad Autosomal Dominant, Autosomal Recessive and X-Linked Classification Criteria (2023). Collection method: clinical testing. Allele origin: unknown.
Comment: NM_000158.3(GBE1):c.895G>T(G299*) is expected to be pathogenic in the context of glycogen storage disease, GBE1-related. This variant is predicted to lead to an abnormal or absent protein product due to the creation of a premature termination codon in GBE1, a gene where loss-of-function variants are known to be pathogenic. Please note: this variant was assessed in the context of healthy population screening.

Institute of Medical Genetics and Applied Genomics, University Hospital Tübingen
Classification: Pathogenic for Adult polyglucosan body disease. Last evaluated: 2024-02-08. Review status: criteria provided, single submitter. Criteria: ACMG Guidelines, 2015. Collection method: clinical testing. Allele origin: germline. Inheritance: Autosomal recessive inheritance. Affected: yes.

Baylor Genetics
Classification: Pathogenic for Glycogen storage disease, type IV. Last evaluated: 2023-03-17. Review status: criteria provided, single submitter. Criteria: ACMG Guidelines, 2015. Collection method: clinical testing. Allele origin: unknown.

Blueprint Genetics
Classification: Likely pathogenic for GBE1-related disorders. Last evaluated: 2023-02-10. Review status: criteria provided, single submitter. Criteria: ACMG Guidelines, 2015. Collection method: clinical testing. Allele origin: germline. Affected: yes. Observed: 2 variant alleles.

Broad Center for Mendelian Genomics, Broad Institute of MIT and Harvard
Classification: Likely pathogenic for Glycogen storage disease, type IV. Last evaluated: 2022-01-27. Review status: criteria provided, single submitter. Criteria: ACMG Guidelines, 2015. Collection method: curation. Allele origin: germline. Inheritance: Autosomal recessive inheritance.
Comment: The p.Gly299Ter variant in GBE1 has been reported in 1 individual, in the compound heterozygous state, with glycogen storage disease type IV (GSD IV) (PMID: 16278887) and has been identified in 0.002% (2/112610) of European (non-Finnish) chromosomes by the Genome Aggregation Database (gnomAD; dbSNP ID: rs779475367). Although this variant has been seen in the general population in a heterozygous state, its frequency is low enough to be consistent with a recessive carrier frequency. This nonsense variant leads to a premature termination codon at position 299, which is predicted to lead to a truncated or absent protein. Loss of function of the GBE1 gene is an established disease mechanism in autosomal recessive GSD IV. In summary, although additional studies are required to fully establish its clinical significance, this variant is likely pathogenic for autosomal recessive GSD IV. ACMG/AMP Criteria applied: PVS1, PM2 (Richards 2015).

Literature cited by the submitters: PubMed 15452297 (cited by Labcorp Genetics (formerly Invitae), Labcorp); PubMed 20058079 (cited by Labcorp Genetics (formerly Invitae), Labcorp); PubMed 16278887 (cited by Labcorp Genetics (formerly Invitae), Labcorp).

NM_000158.4(GBE1):c.895G>T (p.Gly299Ter)

Gene: GBE1 (1,4-alpha-glucan branching enzyme 1; minus strand). Cytogenetic location: 3p12.2.
Variant type: single nucleotide variant.
Coding change: c.895G>T on transcript NM_000158.4 (MANE Select); coding-DNA position 895, G replaced by T.
Protein change: p.Gly299Ter; replaces glycine 299 with a stop codon.
Molecular consequence: nonsense.
Genome position (GRCh38, 1-based): chr3:81,642,878, C>A on the plus strand (G>T on the coding strand, the complement: GBE1 is on the minus strand). VCF-style: chr3-81642878-C-A. GRCh37 (hg19) VCF-style: chr3-81692029-C-A.
Other names: NM_000158.4:c.895G>T; short protein forms G299*.
Identifiers: ClinVar variation 1341394 (VCV001341394.13), dbSNP rs779475367, ClinGen allele CA2499838.